The following is an entry in ClinVar:

ClinVar aggregate classification (germline): Pathogenic (0 of 4 stars; one submission).

Conditions:
Childhood apraxia of speech (SPCH1). Also called: Speech language disorder; DEVELOPMENTAL VERBAL DYSPRAXIA; SPEECH AND LANGUAGE DISORDER WITH OROFACIAL DYSPRAXIA; FOXP2-Related Speech and Language Disorder. Identifiers: Orphanet 209908, MedGen C0750927, MONDO:0011184, OMIM 602081.

Submission:

GeneReviews
Classification: Pathogenic for Childhood apraxia of speech. Last evaluated: 2016-03-02. Review status: no assertion criteria provided. Collection method: literature only. Allele origin: germline. Affected: yes. Observed: 7 variant alleles.
Comment: Speech: CAS Oromotor: Oromotor dyspraxia Language: Impaired expressive & receptive Other: Russell-Silver syndrome

Literature cited by the submitters: PubMed 17033973.

Uniparental disomy of chromosome 7

Gene: FOXP2 (forkhead box P2; plus strand). Cytogenetic location: 7q31.1.
Variant type: Complex.
Other names: UPD7.
Identifiers: ClinVar variation 242973 (VCV000242973.1).